The following is an entry in ClinVar:

ClinVar aggregate classification (germline): Pathogenic (1 of 4 stars; one submission).

Submission:

Labcorp Genetics (formerly Invitae), Labcorp
Classification: Pathogenic. Last evaluated: 2022-11-17. Review status: criteria provided, single submitter. Criteria: Invitae Variant Classification Sherloc (09022015). Collection method: clinical testing. Allele origin: germline.
Comment: A gross deletion of the genomic region encompassing the full coding sequence of the SPEN gene has been identified. Loss-of-function variants in SPEN are known to be pathogenic (PMID: 33596411). The boundaries of this event are unknown as they extend beyond the assayed region for this gene and therefore may encompass additional genes. For these reasons, this variant has been classified as Pathogenic. This variant has not been reported in the literature in individuals affected with SPEN-related conditions.

Literature cited by the submitters: PubMed 33596411.

NC_000001.10:g.(?_16096904)_(16271697_?)del

Genes: FBLIM1 (filamin binding LIM protein 1; plus strand), SPEN (spen family transcriptional repressor; plus strand), ZBTB17 (zinc finger and BTB domain containing 17; minus strand). Cytogenetic location: 1p36.21-36.13.
Variant type: Deletion.
Identifiers: ClinVar variation 2426034 (VCV002426034.4).